The following is an entry in ClinVar:

ClinVar aggregate classification (germline): Uncertain significance. Review status: criteria provided, multiple submitters, no conflicts (2 of 4 stars). 2 submissions from 2 submitters: Uncertain significance (2). Last evaluated 2025-12-30.

Conditions:
Epidermolysis bullosa simplex 5B, with muscular dystrophy (EBS5B). Also called: EPIDERMOLYSIS BULLOSA SIMPLEX AND LIMB-GIRDLE MUSCULAR DYSTROPHY; Epidermolysis bullosa simplex with muscular dystrophy. Identifiers: Orphanet 257, MedGen C2931072, MONDO:0009181, OMIM 226670.
Epidermolysis bullosa simplex, Ogna type (EBS5A). Also called: Pidermolysis bullosa simplex 5A, Ogna type; EPIDERMOLYSIS BULLOSA SIMPLEX 5A, OGNA TYPE. Identifiers: Orphanet 79401, MedGen C0432317, MONDO:0007555, OMIM 131950.
Autosomal recessive limb-girdle muscular dystrophy type 2Q (LGMDR17). Also called: MUSCULAR DYSTROPHY, LIMB-GIRDLE, AUTOSOMAL RECESSIVE 17. Identifiers: Orphanet 254361, MedGen C3150989, MONDO:0013390, OMIM 613723.
Epidermolysis bullosa simplex 5C, with pyloric atresia (EBS5C). Also called: Epidermolysis bullosa simplex with pyloric atresia; PLEC1-Related Epidermolysis Bullosa with Pyloric Atresia; PLEC-Related Epidermolysis Bullosa with Pyloric Atresia. Identifiers: Orphanet 158684, MedGen C2677349, MONDO:0012807, OMIM 612138.
Epidermolysis bullosa simplex with nail dystrophy (EBS5D). Identifiers: MedGen C4225309, MONDO:0014661, OMIM 616487.

gnomAD v4.1: 1 of 1,574,046 alleles (0.000064%); highest among the groups gnomAD compares: Non-Finnish European, 0.000086%; no homozygotes.

Submissions (2):

Labcorp Genetics (formerly Invitae), Labcorp
Classification: Uncertain significance for Autosomal recessive limb-girdle muscular dystrophy type 2Q; Epidermolysis bullosa simplex, Ogna type; Epidermolysis bullosa simplex with nail dystrophy; Epidermolysis bullosa simplex 5C, with pyloric atresia; Epidermolysis bullosa simplex 5B, with muscular dystrophy. Last evaluated: 2025-12-30. Review status: criteria provided, single submitter. Criteria: Invitae Variant Classification Sherloc (09022015). Collection method: clinical testing. Allele origin: germline.
Comment: This sequence change replaces arginine, which is basic and polar, with serine, which is neutral and polar, at codon 1476 of the PLEC protein (p.Arg1476Ser). The frequency data for this variant in the population databases is considered unreliable, as metrics indicate poor data quality at this position in the gnomAD database. This variant has not been reported in the literature in individuals affected with PLEC-related conditions. ClinVar contains an entry for this variant (Variation ID: 500503). Experimental studies and prediction algorithms are not available or were not evaluated, and the functional significance of this variant is currently unknown. In summary, the available evidence is currently insufficient to determine the role of this variant in disease. Therefore, it has been classified as a Variant of Uncertain Significance.

Eurofins Ntd Llc (ga)
Classification: Uncertain significance. Last evaluated: 2017-03-09. Review status: criteria provided, single submitter. Criteria: EGL Classification Definitions 2015. Collection method: clinical testing. Allele origin: germline. Observed: 1 variant allele, 1 heterozygote.

NM_201384.3(PLEC):c.4345C>A (p.Arg1449Ser)

Gene: PLEC (plectin; minus strand). Cytogenetic location: 8q24.3.
Variant type: single nucleotide variant.
Coding change: c.4345C>A on transcript NM_201384.3 (MANE Select); coding-DNA position 4345, C replaced by A.
Protein change: p.Arg1449Ser; replaces arginine 1449 with serine.
Molecular consequence: missense variant.
Genome position (GRCh38, 1-based): chr8:143,925,584, G>T on the plus strand (C>A on the coding strand, the complement: PLEC is on the minus strand). VCF-style: chr8-143925584-G-T. GRCh37 (hg19) VCF-style: chr8-144999752-G-T.
Other names: c.4426C>A, p.Arg1476Ser (NM_000445.5); c.4303C>A, p.Arg1435Ser (NM_201378.4); c.4279C>A, p.Arg1427Ser (NM_201379.3); c.4756C>A, p.Arg1586Ser (NM_201380.4); c.4249C>A, p.Arg1417Ser (NM_201381.3); c.4345C>A, p.Arg1449Ser (NM_201382.4); c.4357C>A, p.Arg1453Ser (NM_201383.3); short protein forms R1417S, R1427S, R1435S, R1449S, R1453S, R1476S, R1586S.
Identifiers: ClinVar variation 500503 (VCV000500503.6), dbSNP rs782348767, ClinGen allele CA372557802.